The following is an entry in ClinVar:

ClinVar aggregate classification (germline): Benign/Likely benign. Review status: criteria provided, multiple submitters, no conflicts (2 of 4 stars). 2 submissions from 2 submitters: Benign (1); Likely benign (1). Last evaluated 2026-03-01.

Allele frequency attached by ClinVar (database versions not stated): gnomAD exomes 0.00012 and 0.00032; ExAC 0.00040; 1000 Genomes Project 30x 0.00078; 1000 Genomes Project 0.00080; gnomAD 0.00148 and 0.00158; TOPMed 0.00161; ESP Exome Variant Server 0.00177.
gnomAD v4.1: 409 of 1,613,340 alleles (0.025%); highest among the groups gnomAD compares: African/African-American, 0.51%; 1 homozygote.

Submissions (2):

CeGaT Center for Human Genetics Tuebingen
Classification: Likely benign. Last evaluated: 2026-03-01. Review status: criteria provided, single submitter. Criteria: CeGaT Center For Human Genetics Tuebingen Variant Classification Criteria Version 2. Collection method: clinical testing. Allele origin: germline. Affected: yes. Observed: 1 variant allele.
Comment: CDK13: BS1

Labcorp Genetics (formerly Invitae), Labcorp
Classification: Benign. Last evaluated: 2025-12-19. Review status: criteria provided, single submitter. Criteria: Invitae Variant Classification Sherloc (09022015). Collection method: clinical testing. Allele origin: germline.

NM_003718.5(CDK13):c.2421T>A (p.Val807=)

Gene: CDK13 (cyclin dependent kinase 13; plus strand). Cytogenetic location: 7p14.1.
Variant type: single nucleotide variant.
Coding change: c.2421T>A on transcript NM_003718.5 (MANE Select); coding-DNA position 2421, T replaced by A.
Protein change: p.Val807=; no amino-acid change (valine 807 retained).
Molecular consequence: synonymous variant.
Genome position (GRCh38, 1-based): chr7:40,045,903, T>A. VCF-style: chr7-40045903-T-A. GRCh37 (hg19) VCF-style: chr7-40085502-T-A.
Other names: c.2421T>A, p.Val807= (NM_031267.4).
Identifiers: ClinVar variation 735884 (VCV000735884.14), dbSNP rs146697164, ClinGen allele CA4228707.